The following is an entry in ClinVar:

NM_015972.4(POLR1D):c.232_233del (p.Ser78fs)

Genes: POLR1D (RNA polymerase I and III subunit D; plus strand), LOC147380392 (uncharacterized LOC147380392; plus strand). Cytogenetic location: 13q12.2.
Variant type: Microsatellite.
Coding change: c.232_233del on transcript NM_015972.4 (MANE Select); coding-DNA positions 232 to 233, 2 bases deleted (AG; older notation c.232_233delAG).
Protein change: p.Ser78fs; shifts the reading frame from serine 78.
Molecular consequence: frameshift variant. On other transcripts: intron variant (2).
Genome position (GRCh38, 1-based): chr13:27,623,080-27,623,081, AG deleted; deleting any 2 consecutive bases within chr13:27,623,076-27,623,081 gives the same sequence; the c. name uses the placement nearest the transcript's 3' end. VCF-style (leftmost placement, unchanged base first): chr13-27623075-CAG-C. GRCh37 (hg19) VCF-style: chr13-28197212-CAG-C.
Other names: c.232_233del, p.Ser78fs (NM_001374407.1); c.-59+1936AG[2] (NM_001206559.2); c.26+1067AG[2] (NM_152705.3); short protein forms S78fs.
Identifiers: ClinVar variation 4683085 (VCV004683085.1).

ClinVar aggregate classification (germline): Pathogenic (1 of 4 stars; one submission).

Conditions:
Treacher Collins syndrome 2 (TCS2). Also called: POLR1D-Related Treacher Collins Syndrome; TREACHER COLLINS SYNDROME 2, AUTOSOMAL RECESSIVE. Identifiers: Orphanet 861, MedGen C3150983, MONDO:0013385, OMIM 613717.

Submission:

Institute of Human Genetics, University of Leipzig Medical Center
Classification: Pathogenic for Treacher Collins syndrome 2. Last evaluated: 2025-12-22. Review status: criteria provided, single submitter. Criteria: ACMG Guidelines, 2015. Collection method: clinical testing. Allele origin: unknown. Inheritance: Autosomal dominant inheritance. Affected: yes.
Comment: Criteria applied: PVS1,PM2,PS4_SUP